The following is an entry in ClinVar:

NM_005732.4(RAD50):c.3935A>G (p.His1312Arg)

Genes: TH2LCRR (T helper type 2 locus control region associated RNA; minus strand), RAD50 (RAD50 double strand break repair protein; plus strand). Cytogenetic location: 5q31.1.
Variant type: single nucleotide variant.
Coding change: c.3935A>G on transcript NM_005732.4 (MANE Select); coding-DNA position 3935, A replaced by G.
Protein change: p.His1312Arg; replaces histidine 1312 with arginine.
Molecular consequence: missense variant.
Genome position (GRCh38, 1-based): chr5:132,642,360, A>G. VCF-style: chr5-132642360-A-G. GRCh37 (hg19) VCF-style: chr5-131978052-A-G.
Other names: short protein forms H1312R.
Identifiers: ClinVar variation 640316 (VCV000640316.12), dbSNP rs758732036, ClinGen allele CA3405694.

ClinVar aggregate classification (germline): Uncertain significance. Review status: criteria provided, multiple submitters, no conflicts (2 of 4 stars). 2 submissions from 2 submitters: Uncertain significance (2). Last evaluated 2025-03-27.

Conditions:
Hereditary cancer-predisposing syndrome. Also called: Neoplastic Syndromes, Hereditary; Tumor predisposition; Hereditary Cancer Syndrome; Hereditary neoplastic syndrome. Identifiers: Orphanet 140162, MedGen C0027672, MeSH D009386, MONDO:0015356.

Allele frequency attached by ClinVar (database versions not stated): gnomAD exomes below 0.00001 and 0.00001; ExAC 0.00002.
gnomAD v4.1: 4 of 1,612,656 alleles (0.00025%); highest among the groups gnomAD compares: South Asian, 0.0022%; no homozygotes.

Submissions (2):

Ambry Genetics
Classification: Uncertain significance for Hereditary cancer-predisposing syndrome. Last evaluated: 2025-03-27. Review status: criteria provided, single submitter. Criteria: Ambry Variant Classification Scheme 2023. Collection method: clinical testing. Allele origin: germline.

Labcorp Genetics (formerly Invitae), Labcorp
Classification: Uncertain significance for Hereditary cancer-predisposing syndrome. Last evaluated: 2023-05-02. Review status: criteria provided, single submitter. Criteria: Invitae Variant Classification Sherloc (09022015). Collection method: clinical testing. Allele origin: germline.
Comment: In summary, the available evidence is currently insufficient to determine the role of this variant in disease. Therefore, it has been classified as a Variant of Uncertain Significance. An algorithm developed to predict the effect of missense changes on protein structure and function (PolyPhen-2) suggests that this variant is likely to be disruptive. ClinVar contains an entry for this variant (Variation ID: 640316). This variant has not been reported in the literature in individuals affected with RAD50-related conditions. This variant is present in population databases (rs758732036, gnomAD 0.01%). This sequence change replaces histidine, which is basic and polar, with arginine, which is basic and polar, at codon 1312 of the RAD50 protein (p.His1312Arg).